The following is an entry in ClinVar:

ClinVar aggregate classification (germline): Uncertain significance (1 of 4 stars; one submission).

Conditions:
Duchenne muscular dystrophy (DMD). Also called: MUSCULAR DYSTROPHY, PSEUDOHYPERTROPHIC PROGRESSIVE, DUCHENNE TYPE; Duchenne Muscular Dystrophy (DMD). Identifiers: Orphanet 98896, MedGen C0013264, MONDO:0010679, OMIM 310200.

Submission:

Labcorp Genetics (formerly Invitae), Labcorp
Classification: Uncertain significance for Duchenne muscular dystrophy. Last evaluated: 2021-12-29. Review status: criteria provided, single submitter. Criteria: Invitae Variant Classification Sherloc (09022015). Collection method: clinical testing. Allele origin: germline.
Comment: Algorithms developed to predict the effect of missense changes on protein structure and function are either unavailable or do not agree on the potential impact of this missense change (SIFT: "Tolerated"; PolyPhen-2: "Possibly Damaging"; Align-GVGD: "Class C0"). In summary, the available evidence is currently insufficient to determine the role of this variant in disease. Therefore, it has been classified as a Variant of Uncertain Significance. This variant has not been reported in the literature in individuals affected with DMD-related conditions. This variant is not present in population databases (gnomAD no frequency). This sequence change replaces threonine, which is neutral and polar, with lysine, which is basic and polar, at codon 1839 of the DMD protein (p.Thr1839Lys).

NM_004006.3(DMD):c.5516C>A (p.Thr1839Lys)

Gene: DMD (dystrophin; minus strand). Cytogenetic location: Xp21.1.
Variant type: single nucleotide variant.
Coding change: c.5516C>A on transcript NM_004006.3 (MANE Select); coding-DNA position 5516, C replaced by A.
Protein change: p.Thr1839Lys; replaces threonine 1839 with lysine.
Molecular consequence: missense variant.
Genome position (GRCh38, 1-based): chrX:32,346,013, G>T on the plus strand (C>A on the coding strand, the complement: DMD is on the minus strand). VCF-style: chrX-32346013-G-T. GRCh37 (hg19) VCF-style: chrX-32364130-G-T.
Other names: c.5492C>A, p.Thr1831Lys (NM_000109.4); c.5504C>A, p.Thr1835Lys (NM_004009.3); c.5147C>A, p.Thr1716Lys (NM_004010.3); c.1493C>A, p.Thr498Lys (NM_004011.4); c.1484C>A, p.Thr495Lys (NM_004012.4); short protein forms T1716K, T1835K, T495K, T1831K, T1839K, T498K.
Identifiers: ClinVar variation 1904534 (VCV001904534.5), dbSNP rs2097762601, ClinGen allele CA412667363.